The following is an entry in ClinVar:

ClinVar aggregate classification (germline): Uncertain significance. Review status: criteria provided, multiple submitters, no conflicts (2 of 4 stars). 3 submissions from 3 submitters: Uncertain significance (3). Last evaluated 2024-06-05.

Conditions:
Familial cancer of breast. Also called: Hereditary breast cancer; hereditary breast carcinoma; BREAST CANCER, FAMILIAL. Identifiers: Orphanet 227535, MedGen C0346153, MONDO:0016419, OMIM 114480. Disease mechanism: loss of function.
Fanconi anemia complementation group J. Also called: BRIP1-Related Fanconi Anemia. Identifiers: Orphanet 84, MedGen C1836860, MONDO:0012187, OMIM 609054.
Familial ovarian cancer. Identifiers: MedGen C5679802, MONDO:0016248.
Hereditary cancer-predisposing syndrome. Also called: Hereditary Cancer Syndrome; Neoplastic Syndromes, Hereditary; Hereditary neoplastic syndrome; Tumor predisposition. Identifiers: Orphanet 140162, MedGen C0027672, MeSH D009386, MONDO:0015356.

Allele frequency attached by ClinVar (database versions not stated): gnomAD exomes below 0.00001.
gnomAD v4.1: 2 of 1,612,974 alleles (0.00012%); highest among the groups gnomAD compares: African/African-American, 0.0013%; no homozygotes.

Submissions (3):

Molecular Pathology, Peter Maccallum Cancer Centre
Classification: Uncertain significance for Familial ovarian cancer. Last evaluated: 2024-06-05. Review status: criteria provided, single submitter. Criteria: ACMG Guidelines, 2015. Collection method: clinical testing. Allele origin: germline. Inheritance: Autosomal dominant inheritance.

Ambry Genetics
Classification: Uncertain significance for Hereditary cancer-predisposing syndrome. Last evaluated: 2024-01-03. Review status: criteria provided, single submitter. Criteria: Ambry Variant Classification Scheme 2023. Collection method: clinical testing. Allele origin: germline.
Comment: The p.I10V variant (also known as c.28A>G), located in coding exon 1 of the BRIP1 gene, results from an A to G substitution at nucleotide position 28. The isoleucine at codon 10 is replaced by valine, an amino acid with highly similar properties. This amino acid position is highly conserved in available vertebrate species. In addition, this alteration is predicted to be tolerated by in silico analysis. Since supporting evidence is limited at this time, the clinical significance of this alteration remains unclear.

Labcorp Genetics (formerly Invitae), Labcorp
Classification: Uncertain significance for Familial cancer of breast; Fanconi anemia complementation group J. Last evaluated: 2022-06-26. Review status: criteria provided, single submitter. Criteria: Invitae Variant Classification Sherloc (09022015). Collection method: clinical testing. Allele origin: germline.
Comment: This sequence change replaces isoleucine, which is neutral and non-polar, with valine, which is neutral and non-polar, at codon 10 of the BRIP1 protein (p.Ile10Val). This variant is not present in population databases (gnomAD no frequency). This variant has not been reported in the literature in individuals affected with BRIP1-related conditions. ClinVar contains an entry for this variant (Variation ID: 821964). Algorithms developed to predict the effect of missense changes on protein structure and function are either unavailable or do not agree on the potential impact of this missense change (SIFT: "Deleterious"; PolyPhen-2: "Possibly Damaging"; Align-GVGD: "Class C0"). RNA analysis performed to evaluate the impact of this missense change on mRNA splicing indicates it does not significantly alter splicing (Invitae). In summary, the available evidence is currently insufficient to determine the role of this variant in disease. Therefore, it has been classified as a Variant of Uncertain Significance.

NM_032043.3(BRIP1):c.28A>G (p.Ile10Val)

Gene: BRIP1 (BRCA1 interacting DNA helicase 1; minus strand). Cytogenetic location: 17q23.2.
Variant type: single nucleotide variant.
Coding change: c.28A>G on transcript NM_032043.3 (MANE Select); coding-DNA position 28, A replaced by G.
Protein change: p.Ile10Val; replaces isoleucine 10 with valine.
Molecular consequence: missense variant.
Genome position (GRCh38, 1-based): chr17:61,861,512, T>C on the plus strand (A>G on the coding strand, the complement: BRIP1 is on the minus strand). VCF-style: chr17-61861512-T-C. GRCh37 (hg19) VCF-style: chr17-59938873-T-C.
Other names: short protein forms I10V.
Identifiers: ClinVar variation 821964 (VCV000821964.10), dbSNP rs945685514, ClinGen allele CA292281860.